The following is an entry in ClinVar:

ClinVar aggregate classification (germline): Likely benign. Review status: criteria provided, single submitter (1 of 4 stars). 2 submissions from 2 submitters: Likely benign (1). 1 of the submissions does not count toward it. Last evaluated 2024-11-15.

Conditions:
SASH1-related disorder. Also called: SASH1-related condition.

Submissions (2):

Blueprint Genetics
Classification: Likely benign. Last evaluated: 2024-11-15. Review status: criteria provided, single submitter. Criteria: ACMG Guidelines, 2015. Collection method: clinical testing. Allele origin: germline.

PreventionGenetics, part of Exact Sciences
Classification: Likely benign for SASH1-related condition. Last evaluated: 2019-10-28. Review status: no assertion criteria provided. Collection method: clinical testing. Allele origin: germline. Not counted in ClinVar's aggregate classification.
Comment: This variant is classified as likely benign based on ACMG/AMP sequence variant interpretation guidelines (Richards et al. 2015 PMID: 25741868, with internal and published modifications).

NM_015278.5(SASH1):c.428-18_428-4del

Gene: SASH1 (SAM and SH3 domain containing 1; plus strand). Cytogenetic location: 6q24.3.
Variant type: Deletion.
Coding change: c.428-18_428-4del on transcript NM_015278.5 (MANE Select); 18 bases into the intron before coding-DNA position 428 through 4 bases into the intron before coding-DNA position 428, 15 bases deleted (TTTTTTTTTTTTTTT).
Molecular consequence: intron variant.
Genome position (GRCh38, 1-based): chr6:148,471,399-148,471,413, TTTTTTTTTTTTTTT deleted; deleting any 15 consecutive bases within chr6:148,471,387-148,471,413 gives the same sequence; the c. name uses the placement nearest the transcript's 3' end. VCF-style (leftmost placement, unchanged base first): chr6-148471386-CTTTTTTTTTTTTTTT-C. GRCh37 (hg19) VCF-style: chr6-148792522-CTTTTTTTTTTTTTTT-C.
Other names: c.293-18_293-4del (NM_001346505.2); c.56-18_56-4del (NM_001346506.2).
Identifiers: ClinVar variation 3039882 (VCV003039882.3), dbSNP rs35487674, ClinGen allele CA4039981.
Genomic context (GRCh38, chr6:148,471,386, plus strand): 5'-ATTACAAGGAAGAGGCTACTTTTGTTATTAATGATGAATTTATTGCTTGTGCTTTTTGTT[CTTTTTTTTTTTTTTT>C]TTTTTTTTTTTTAAGGAAAAGGAGACTGGAAGAAGAAAAATAAGTATTTCTGGCAGAACT-3'